The following is an entry in ClinVar:

NM_015512.5(DNAH1):c.4309A>G (p.Thr1437Ala)

Gene: DNAH1 (dynein axonemal heavy chain 1; plus strand). Cytogenetic location: 3p21.1.
Variant type: single nucleotide variant.
Coding change: c.4309A>G on transcript NM_015512.5 (MANE Select); coding-DNA position 4309, A replaced by G.
Protein change: p.Thr1437Ala; replaces threonine 1437 with alanine.
Molecular consequence: missense variant.
Genome position (GRCh38, 1-based): chr3:52,359,288, A>G. VCF-style: chr3-52359288-A-G. GRCh37 (hg19) VCF-style: chr3-52393304-A-G.
Other names: short protein forms T1437A.
Identifiers: ClinVar variation 645780 (VCV000645780.5), dbSNP rs1334897226, ClinGen allele CA353126811.
Genomic context (GRCh38, chr3:52,359,288, plus strand): 5'-CCCATGCTGTCTTCCCAGATGCCCAGGACCCAGTGGGTTCTGAACTGGCCTGGCCAGGTG[A>G]CCATCGCTGGGTGCCAGACCTACTGGACCATGGAGGTGGCAGAGGCTCTGGAGGCCGGCA-3'
Protein context (NP_056327.4, residues 1427-1447): QWVLNWPGQV[Thr1437Ala]IAGCQTYWTM

ClinVar aggregate classification (germline): Uncertain significance (1 of 4 stars; one submission).

Conditions:
Spermatogenic failure 18. Identifiers: MedGen C4539783, MONDO:0054615, OMIM 617576.
Ciliary dyskinesia, primary, 37 (CILD37). Also called: CILIARY DYSKINESIA, PRIMARY, 37, WITH OR WITHOUT SITUS INVERSUS. Identifiers: MedGen C4539798, MONDO:0033204, OMIM 617577.

Allele frequency attached by ClinVar (database versions not stated): gnomAD exomes below 0.00001 and 0.00002; gnomAD 0.00001; TOPMed 0.00007.
gnomAD v4.1: 8 of 1,568,642 alleles (0.00051%); highest among the groups gnomAD compares: Admixed American, 0.0074%; no homozygotes.

Submission:

Labcorp Genetics (formerly Invitae), Labcorp
Classification: Uncertain significance for Ciliary dyskinesia, primary, 37; Spermatogenic failure 18. Last evaluated: 2022-06-28. Review status: criteria provided, single submitter. Criteria: Invitae Variant Classification Sherloc (09022015). Collection method: clinical testing. Allele origin: germline.
Comment: This sequence change replaces threonine, which is neutral and polar, with alanine, which is neutral and non-polar, at codon 1437 of the DNAH1 protein (p.Thr1437Ala). This variant is present in population databases (no rsID available, gnomAD 0.007%). This missense change has been observed in individual(s) with clinical features of DNAH1-related conditions (Invitae). ClinVar contains an entry for this variant (Variation ID: 645780). Algorithms developed to predict the effect of missense changes on protein structure and function are either unavailable or do not agree on the potential impact of this missense change (SIFT: "Deleterious"; PolyPhen-2: "Benign"; Align-GVGD: "Class C0"). In summary, the available evidence is currently insufficient to determine the role of this variant in disease. Therefore, it has been classified as a Variant of Uncertain Significance.